The following is an entry in ClinVar:

NM_177924.5(ASAH1):c.1185G>C (p.Trp395Cys)

Gene: ASAH1 (N-acylsphingosine amidohydrolase 1; minus strand). Cytogenetic location: 8p22.
Variant type: single nucleotide variant.
Coding change: c.1185G>C on transcript NM_177924.5 (MANE Select); coding-DNA position 1185, G replaced by C.
Protein change: p.Trp395Cys; replaces tryptophan 395 with cysteine.
Molecular consequence: missense variant. On other transcripts: non-coding transcript variant (1).
Genome position (GRCh38, 1-based): chr8:18,057,537, C>G on the plus strand (G>C on the coding strand, the complement: ASAH1 is on the minus strand). VCF-style: chr8-18057537-C-G. GRCh37 (hg19) VCF-style: chr8-17915046-C-G.
Other names: c.1167G>C, p.Trp389Cys (NM_001127505.3); c.990G>C, p.Trp330Cys (NM_001363743.2); c.1233G>C, p.Trp411Cys (NM_004315.6); short protein forms W330C, W389C, W395C, W411C.
Identifiers: ClinVar variation 4532093 (VCV004532093.1).
Genomic context (GRCh38, chr8:18,057,537, plus strand): 5'-ACATGGAGATGGTGTCTTCATGTCTCAGAGGCCGCATTCTGTAGGCCAGACGTGTGCTCA[C>G]CAACCTATACAAGGGTCAGGGCAGTCCCGCAGGTAAGTTTCGAATTGACCTTTGGTAACA-3'
Protein context (NP_808592.2, residues 385-395): LRDCPDPCIG[Trp395Cys]

ClinVar aggregate classification (germline): Uncertain significance (1 of 4 stars; one submission).

Conditions:
Farber lipogranulomatosis (FRBRL). Also called: Farber's lipogranulomatosis; Farber's disease; Farber disease; AC DEFICIENCY; ACID CERAMIDASE DEFICIENCY; CERAMIDASE DEFICIENCY. Identifiers: Orphanet 333, MedGen C0268255, MONDO:0009218, OMIM 228000.

Submission:

Victorian Clinical Genetics Services, Murdoch Childrens Research Institute
Classification: Uncertain significance for Farber lipogranulomatosis. Last evaluated: 2024-10-12. Review status: criteria provided, single submitter. Criteria: ACMG Guidelines, 2015. Collection method: clinical testing. Allele origin: germline. Affected: yes.
Comment: This variant is classified as VUS-3A. Evidence in support of pathogenic classification: Variant is absent from gnomAD (v2, v3 and v4); This variant has limited previous evidence of pathogenicity in unrelated individuals. This variant has been reported in a homozygous state in two individuals with Farber disease (PMIDs: 32449975, 34045195); Missense variant consistently predicted to be damaging by in silico tool or highly conserved with a major amino acid change. Additional information: This variant is homozygous; This gene is associated with autosomal recessive disease; An alternative amino acid change at the same position has been observed in gnomAD (v4: 1 heterozygote(s), 0 homozygote(s)); No published segregation evidence has been identified for this variant; No published functional evidence has been identified for this variant; No comparable missense variants have previous evidence for pathogenicity; Variant is not located in an established domain, motif, hotspot or informative constraint region; Loss of function is a known mechanism of disease in this gene and is associated with Farber lipogranulomatosis (MIM#228000), and spinal muscular atrophy with progressive myoclonic epilepsy (MIM#159950); Variants in this gene are known to have variable expressivity (OMIM).

Literature cited by the submitters: PubMed 32449975; PubMed 34045195.